The following is an entry in ClinVar:

NM_000277.3(PAH):c.1199+20G>C

Gene: PAH (phenylalanine hydroxylase; minus strand). Cytogenetic location: 12q23.2.
Variant type: single nucleotide variant.
Coding change: c.1199+20G>C on transcript NM_000277.3 (MANE Select); 20 bases into the intron after coding-DNA position 1199, G replaced by C.
Molecular consequence: intron variant.
Genome position (GRCh38, 1-based): chr12:102,843,626, C>G on the plus strand (G>C on the coding strand, the complement: PAH is on the minus strand). VCF-style: chr12-102843626-C-G. GRCh37 (hg19) VCF-style: chr12-103237404-C-G.
Other names: c.1199+20G>C (NM_001354304.2).
Identifiers: ClinVar variation 102558 (VCV000102558.5), dbSNP rs62509018, ClinGen allele CA229386.

ClinVar aggregate classification (germline): Pathogenic. Review status: criteria provided, single submitter (1 of 4 stars). 2 submissions from 2 submitters: Pathogenic (1). 1 of the submissions does not count toward it. Last evaluated 2026-01-12.

Conditions:
Phenylketonuria (PKU). Also called: Phenylketonuria (PKU); FOLLING DISEASE; OLIGOPHRENIA PHENYLPYRUVICA; Phenylketonurias. Identifiers: Orphanet 716, MedGen C0031485, MONDO:0009861, OMIM 261600. Disease mechanism: loss of function.

Allele frequency attached by ClinVar (database versions not stated): TOPMed below 0.00001.

Submissions (2):

Labcorp Genetics (formerly Invitae), Labcorp
Classification: Pathogenic for Phenylketonuria. Last evaluated: 2026-01-12. Review status: criteria provided, single submitter. Criteria: Invitae Variant Classification Sherloc (09022015). Collection method: clinical testing. Allele origin: germline.
Comment: This sequence change falls in intron 11 of the PAH gene. It does not directly change the encoded amino acid sequence of the PAH protein. This variant is not present in population databases (gnomAD no frequency). This variant has been observed in individual(s) with PAH-related conditions (PMID: 8659548, 22112818; internal data). In at least one individual the data is consistent with being in trans (on the opposite chromosome) from a pathogenic variant. This variant is also known as IVS11nt20g>c. ClinVar contains an entry for this variant (Variation ID: 102558). Studies have shown that this variant is associated with altered splicing resulting in multiple RNA products (PMID: 29684050). For these reasons, this variant has been classified as Pathogenic.

DeBelle Laboratory for Biochemical Genetics, MUHC/MCH RESEARCH INSTITUTE
No classification provided. Review status: no classification provided. Collection method: not provided. Allele origin: not provided. Not counted in ClinVar's aggregate classification.

Literature cited by the submitters: PubMed 8659548 (cited by Labcorp Genetics (formerly Invitae), Labcorp); PubMed 22112818 (cited by Labcorp Genetics (formerly Invitae), Labcorp); PubMed 29684050 (cited by Labcorp Genetics (formerly Invitae), Labcorp).